The following is an entry in ClinVar:

NM_004168.4(SDHA):c.1618A>G (p.Ser540Gly)

Gene: SDHA (succinate dehydrogenase complex flavoprotein subunit A; plus strand). Cytogenetic location: 5p15.33.
Variant type: single nucleotide variant.
Coding change: c.1618A>G on transcript NM_004168.4 (MANE Select); coding-DNA position 1618, A replaced by G.
Protein change: p.Ser540Gly; replaces serine 540 with glycine.
Molecular consequence: missense variant. On other transcripts: intron variant (1).
Genome position (GRCh38, 1-based): chr5:251,058, A>G. VCF-style: chr5-251058-A-G. GRCh37 (hg19) VCF-style: chr5-251173-A-G.
Other names: c.1474A>G, p.Ser492Gly (NM_001294332.2); c.1552-3335A>G (NM_001330758.2); short protein forms S492G, S540G.
Identifiers: ClinVar variation 4789767 (VCV004789767.1).
Genomic context (GRCh38, chr5:251,058, plus strand): 5'-CAAAATCATGCTGCCGTGTTCCGTGTGGGAAGCGTGTTGCAAGAAGGTTGTGGGAAAATC[A>G]GCAAGCTCTATGGAGACCTAAAGCACCTGAAGACGTTCGACCGGGGTGAGCAGACAGTGG-3'
Protein context (NP_004159.2, residues 530-550): SVLQEGCGKI[Ser540Gly]KLYGDLKHLK

ClinVar aggregate classification (germline): Uncertain significance (1 of 4 stars; one submission).

Conditions:
Mitochondrial complex II deficiency, nuclear type 1. Also called: SUCCINATE CoQ REDUCTASE DEFICIENCY. Identifiers: Orphanet 3208, MedGen C5700310, MONDO:0100294, OMIM 252011.
Pheochromocytoma/paraganglioma syndrome 5. Also called: Paragangliomas 5; SDHA-Related Hereditary Paraganglioma-Pheochromocytoma Syndrome. Identifiers: Orphanet 29072, MedGen C3279992, MONDO:0013602, OMIM 614165.

Submission:

Labcorp Genetics (formerly Invitae), Labcorp
Classification: Uncertain significance for Pheochromocytoma/paraganglioma syndrome 5; Mitochondrial complex II deficiency, nuclear type 1. Last evaluated: 2025-10-06. Review status: criteria provided, single submitter. Criteria: Invitae Variant Classification Sherloc (09022015). Collection method: clinical testing. Allele origin: germline.
Comment: This sequence change replaces serine, which is neutral and polar, with glycine, which is neutral and non-polar, at codon 540 of the SDHA protein (p.Ser540Gly). This variant is not present in population databases (gnomAD no frequency). This variant has not been reported in the literature in individuals affected with SDHA-related conditions. Invitae Evidence Modeling of protein sequence and biophysical properties (such as structural, functional, and spatial information, amino acid conservation, physicochemical variation, residue mobility, and thermodynamic stability) indicates that this missense variant is not expected to disrupt SDHA protein function with a negative predictive value of 95%. In summary, the available evidence is currently insufficient to determine the role of this variant in disease. Therefore, it has been classified as a Variant of Uncertain Significance.